The following is an entry in ClinVar:

NM_006648.4(WNK2):c.4882C>A (p.Leu1628Met)

Gene: WNK2 (WNK lysine deficient protein kinase 2; plus strand). Cytogenetic location: 9q22.31.
Variant type: single nucleotide variant.
Coding change: c.4882C>A on transcript NM_006648.4 (MANE Select); coding-DNA position 4882, C replaced by A.
Protein change: p.Leu1628Met; replaces leucine 1628 with methionine.
Molecular consequence: missense variant.
Genome position (GRCh38, 1-based): chr9:93,289,993, C>A. VCF-style: chr9-93289993-C-A. GRCh37 (hg19) VCF-style: chr9-96052275-C-A.
Other names: c.4993C>A, p.Leu1665Met (NM_001282394.3); short protein forms L1628M, L1665M.
Identifiers: ClinVar variation 3470261 (VCV003470261.1).
Genomic context (GRCh38, chr9:93,289,993, plus strand): 5'-CCTGTGAGTCTCACGGCTCTTCTCTTTTTGTGTTTCTTTCTCCAGGTGGAGAAGTCAGAA[C>A]TGGCCCCCACTCGAGGGGCCGTGATGGAGCAGGGCACGTCCTCGTCAATGACAGGTAACA-3'
Protein context (NP_006639.3, residues 1618-1638): LPQPLVEKSE[Leu1628Met]APTRGAVMEQ

ClinVar aggregate classification (germline): Uncertain significance (1 of 4 stars; one submission).

gnomAD v4.1: 23 of 1,575,944 alleles (0.0015%); highest among the groups gnomAD compares: Non-Finnish European, 0.002%; no homozygotes.

Submission:

Ambry Genetics
Classification: Uncertain significance. Last evaluated: 2024-11-21. Review status: criteria provided, single submitter. Criteria: Ambry Variant Classification Scheme 2023. Collection method: clinical testing. Allele origin: germline.
Comment: The p.L1628M variant (also known as c.4882C>A), located in coding exon 20 of the WNK2 gene, results from a C to A substitution at nucleotide position 4882. The leucine at codon 1628 is replaced by methionine, an amino acid with highly similar properties. This amino acid position is conserved. In addition, this alteration is predicted to be tolerated by in silico analysis. Based on the available evidence, the clinical significance of this variant remains unclear.